The following is an entry in ClinVar:

NM_001868.4(CPA1):c.395T>A (p.Leu132Gln)

Gene: CPA1 (carboxypeptidase A1; plus strand). Cytogenetic location: 7q32.2.
Variant type: single nucleotide variant.
Coding change: c.395T>A on transcript NM_001868.4 (MANE Select); coding-DNA position 395, T replaced by A.
Protein change: p.Leu132Gln; replaces leucine 132 with glutamine.
Molecular consequence: missense variant.
Genome position (GRCh38, 1-based): chr7:130,382,121, T>A. VCF-style: chr7-130382121-T-A. GRCh37 (hg19) VCF-style: chr7-130021962-T-A.
Other names: short protein forms L132Q.
Identifiers: ClinVar variation 2563226 (VCV002563226.3), dbSNP rs782412885, ClinGen allele CA4484791.

ClinVar aggregate classification (germline): Uncertain significance (1 of 4 stars; one submission).

Conditions:
Hereditary pancreatitis (PCTT). Also called: Hereditary chronic pancreatitis; PRSS1-Related Hereditary Pancreatitis. Identifiers: Orphanet 676, MedGen C0238339, MONDO:0008185, OMIM 167800.

Allele frequency attached by ClinVar (database versions not stated): gnomAD exomes below 0.00001; ExAC 0.00001.
gnomAD v4.1: 1 of 1,614,124 alleles (0.000062%); highest among the groups gnomAD compares: Admixed American, 0.0017%; no homozygotes.

Submission:

Ambry Genetics
Classification: Uncertain significance for Hereditary pancreatitis. Last evaluated: 2025-05-02. Review status: criteria provided, single submitter. Criteria: Ambry Variant Classification Scheme 2023. Collection method: clinical testing. Allele origin: germline.
Comment: The p.L132Q variant (also known as c.395T>A), located in coding exon 4 of the CPA1 gene, results from a T to A substitution at nucleotide position 395. The leucine at codon 132 is replaced by glutamine, an amino acid with dissimilar properties. This amino acid position is conserved. In addition, this alteration is predicted to be tolerated by in silico analysis. Since supporting evidence is limited at this time, the clinical significance of this alteration remains unclear.